The following is an entry in ClinVar:

ClinVar aggregate classification (germline): Likely benign (1 of 4 stars; one submission).

gnomAD v4.1: 1 of 1,613,394 alleles (0.000062%); highest among the groups gnomAD compares: South Asian, 0.0011%; no homozygotes.

Submission:

CeGaT Center for Human Genetics Tuebingen
Classification: Likely benign. Last evaluated: 2022-03-01. Review status: criteria provided, single submitter. Criteria: CeGaT Center For Human Genetics Tuebingen Variant Classification Criteria Version 2. Collection method: clinical testing. Allele origin: germline. Affected: yes. Observed: 1 variant allele.
Comment: MAD1L1: PM2:Supporting, BP4, BP7

NM_001013836.2(MAD1L1):c.2031A>G (p.Leu677=)

Gene: MAD1L1 (mitotic arrest deficient 1 like 1; minus strand). Cytogenetic location: 7p22.3.
Variant type: single nucleotide variant.
Coding change: c.2031A>G on transcript NM_001013836.2 (MANE Select); coding-DNA position 2031, A replaced by G.
Protein change: p.Leu677=; no amino-acid change (leucine 677 retained).
Molecular consequence: synonymous variant.
Genome position (GRCh38, 1-based): chr7:1,816,196, T>C on the plus strand (A>G on the coding strand, the complement: MAD1L1 is on the minus strand). VCF-style: chr7-1816196-T-C. GRCh37 (hg19) VCF-style: chr7-1855832-T-C.
Other names: c.2031A>G, p.Leu677= (NM_001013837.2, NM_001304523.2, NM_003550.3); c.1755A>G, p.Leu585= (NM_001304524.2); c.399A>G, p.Leu133= (NM_001304525.2).
Identifiers: ClinVar variation 2657221 (VCV002657221.24), dbSNP rs377575668, ClinGen allele CA453432214.
Genomic context (GRCh38, chr7:1,816,196, plus strand): 5'-CTGGCGCCGCAGGTGCACCTCGATGAGCTCGCCCACGGTGTGTGAGAACTCTGTCTCCAG[T>C]AGCTGCATCTTGGAACCCGAGGGGCTGGTGGCCTGCGGGGCAGTCAAGAAAGAGACAAGA-3'
Protein context (NP_001013858.1, residues 667-687): ATSPSGSKMQ[Leu677=]LETEFSHTVG